The following is an entry in ClinVar:

NM_001673.5(ASNS):c.776-5T>G

Genes: CZ1P-ASNS (CZ1P-ASNS readthrough; minus strand), ASNS (asparagine synthetase (glutamine-hydrolyzing); minus strand). Cytogenetic location: 7q21.3.
Variant type: single nucleotide variant.
Coding change: c.776-5T>G on transcript NM_001673.5 (MANE Select); 5 bases into the intron before coding-DNA position 776, T replaced by G.
Molecular consequence: intron variant.
Genome position (GRCh38, 1-based): chr7:97,858,410, A>C on the plus strand (T>G on the coding strand, the complement: ASNS is on the minus strand). VCF-style: chr7-97858410-A-C. GRCh37 (hg19) VCF-style: chr7-97487722-A-C.
Other names: c.776-5T>G (NM_001352496.2, NM_183356.4, NM_133436.3); c.527-5T>G (NM_001178076.2, NM_001178077.1); c.713-5T>G (NM_001178075.2).
Identifiers: ClinVar variation 1706454 (VCV001706454.3), dbSNP rs2115649690, ClinGen allele CA2580077927.

ClinVar aggregate classification (germline): Pathogenic. Review status: criteria provided, multiple submitters, no conflicts (2 of 4 stars). 2 submissions from 2 submitters: Pathogenic (2). Last evaluated 2023-09-11.

Conditions:
Congenital microcephaly - severe encephalopathy - progressive cerebral atrophy syndrome. Also called: ASNS DEFICIENCY; Asparagine synthetase deficiency. Identifiers: Orphanet 391376, MedGen C3809971, MONDO:0014258, OMIM 615574.

gnomAD v4.1: 8 of 1,614,038 alleles (0.0005%); highest among the groups gnomAD compares: Non-Finnish European, 0.00068%; no homozygotes.

Submissions (2):

Women's Health and Genetics/Laboratory Corporation of America, LabCorp
Classification: Pathogenic for Congenital microcephaly - severe encephalopathy - progressive cerebral atrophy syndrome. Last evaluated: 2023-09-11. Review status: criteria provided, single submitter. Criteria: LabCorp Variant Classification Summary - May 2015. Collection method: clinical testing. Allele origin: germline.
Comment: Variant summary: ASNS c.776-5T>G alters a non-conserved nucleotide located close to a canonical splice site and therefore could affect mRNA splicing, leading to a significantly altered protein sequence. Several computational tools predict a significant impact on normal splicing: Two predict the variant abolishes the canonical 3' acceptor site and two predict the variant weakens the canonical 3' acceptor site. All four tools also predict that the variant creates a new 3' acceptor site located 4 nucleotides upstream from the canonical 3' acceptor site. A publication reports experimental evidence that this variant indeed affects mRNA splicing, resulting in the insertion of 4 nucleotides from the intron which leads to a frameshift and premature termination codon (Al-Kasbi_2022a). The variant was absent in 251210 control chromosomes (gnomAD). c.776-5T>G has been reported in the literature in the homozygous state in multiple individuals from the same family who presented with with severe congenital microcephaly and death within the first few months of life (Al-Kasbi_2022a, Al-Kasbi_2022b). The variant segregated with the disease phenotype within this family and immunoblot analysis showed an absence in ASNS protein from an affected proband (Al-Kasbi_2022a). These data indicate that the variant is very likely to be associated with Asparagine Synthetase Deficiency. The following publications have been ascertained in the context of this evaluation (DOI: 10.1055/s-0042-1757193, PMID: 36344539). One submitter has cited a clinical-significance assessment for this variant to ClinVar after 2014 and has classified the variant as pathogenic. Based on the evidence outlined above, the variant was classified as pathogenic.

Department of Genetics, Sultan Qaboos University Hospital
Classification: Pathogenic for Asparagine synthetase deficiency. Last evaluated: 2022-06-30. Review status: criteria provided, single submitter. Criteria: ACMG Guidelines, 2015. Collection method: clinical testing. Allele origin: germline.

Literature cited by the submitters: PubMed 36344539 (cited by Women's Health and Genetics/Laboratory Corporation of America, LabCorp).